The following is an entry in ClinVar:

ClinVar aggregate classification (germline): Uncertain significance. Review status: criteria provided, multiple submitters, no conflicts (2 of 4 stars). 2 submissions from 2 submitters: Uncertain significance (2). Last evaluated 2024-02-25.

Conditions:
FASTING PLASMA GLUCOSE LEVEL QUANTITATIVE TRAIT LOCUS 5 (FGQTL5). Identifiers: MedGen C3150714, OMIM 613463.

Allele frequency attached by ClinVar (database versions not stated): 1000 Genomes Project 30x 0.00016; 1000 Genomes Project 0.00020; ESP Exome Variant Server 0.00038.
gnomAD v4.1: 107 of 1,582,476 alleles (0.0068%); highest among the groups gnomAD compares: African/African-American, 0.13%; no homozygotes.

Submissions (2):

Labcorp Genetics (formerly Invitae), Labcorp
Classification: Uncertain significance. Last evaluated: 2024-02-25. Review status: criteria provided, single submitter. Criteria: Invitae Variant Classification Sherloc (09022015). Collection method: clinical testing. Allele origin: germline.
Comment: This sequence change replaces proline, which is neutral and non-polar, with leucine, which is neutral and non-polar, at codon 247 of the GCKR protein (p.Pro247Leu). This variant is present in population databases (rs148025735, gnomAD 0.1%), and has an allele count higher than expected for a pathogenic variant. This variant has not been reported in the literature in individuals affected with GCKR-related conditions. ClinVar contains an entry for this variant (Variation ID: 1385144). Advanced modeling of protein sequence and biophysical properties (such as structural, functional, and spatial information, amino acid conservation, physicochemical variation, residue mobility, and thermodynamic stability) performed at Invitae indicates that this missense variant is not expected to disrupt GCKR protein function with a negative predictive value of 80%. In summary, the available evidence is currently insufficient to determine the role of this variant in disease. Therefore, it has been classified as a Variant of Uncertain Significance.

Fulgent Genetics
Classification: Uncertain significance for FASTING PLASMA GLUCOSE LEVEL QUANTITATIVE TRAIT LOCUS 5. Last evaluated: 2021-11-11. Review status: criteria provided, single submitter. Criteria: ACMG Guidelines, 2015. Collection method: clinical testing. Allele origin: unknown.

NM_001486.4(GCKR):c.740C>T (p.Pro247Leu)

Gene: GCKR (glucokinase regulator; plus strand). Cytogenetic location: 2p23.3.
Variant type: single nucleotide variant.
Coding change: c.740C>T on transcript NM_001486.4 (MANE Select); coding-DNA position 740, C replaced by T.
Protein change: p.Pro247Leu; replaces proline 247 with leucine.
Molecular consequence: missense variant.
Genome position (GRCh38, 1-based): chr2:27,503,609, C>T. VCF-style: chr2-27503609-C-T. GRCh37 (hg19) VCF-style: chr2-27726476-C-T.
Other names: short protein forms P247L.
Identifiers: ClinVar variation 1385144 (VCV001385144.7), dbSNP rs148025735, ClinGen allele CA1581689.
Genomic context (GRCh38, chr2:27,503,609, plus strand): 5'-GACAAGTAGCAGAGCGGATGCAGAAAATGCAGGAGAAACAGAAAGCTTTTGTGCTCAATC[C>T]TGCCATCGGGGTAGGGCCTCTCCTTTTTCTATGTTCTCCACCCCTCCAACACCTGGGAAC-3'
Protein context (NP_001477.2, residues 237-257): QEKQKAFVLN[Pro247Leu]AIGPEGLSGS